The following is an entry in ClinVar:

NM_057176.3(BSND):c.207T>A (p.Phe69Leu)

Gene: BSND (barttin CLCNK type accessory subunit beta; plus strand). Cytogenetic location: 1p32.3.
Variant type: single nucleotide variant.
Coding change: c.207T>A on transcript NM_057176.3 (MANE Select); coding-DNA position 207, T replaced by A.
Protein change: p.Phe69Leu; replaces phenylalanine 69 with leucine.
Molecular consequence: missense variant.
Genome position (GRCh38, 1-based): chr1:55,005,051, T>A. VCF-style: chr1-55005051-T-A. GRCh37 (hg19) VCF-style: chr1-55470724-T-A.
Other names: c.207T>A (NM_057176.2); short protein forms F69L.
Identifiers: ClinVar variation 3600956 (VCV003600956.1).

ClinVar aggregate classification (germline): Uncertain significance (1 of 4 stars; one submission).

gnomAD v4.1: 15 of 1,614,204 alleles (0.00093%); highest among the groups gnomAD compares: African/African-American, 0.019%; no homozygotes.

Submission:

GeneDx
Classification: Uncertain significance. Last evaluated: 2024-07-25. Review status: criteria provided, single submitter. Criteria: GeneDx Variant Classification Process June 2021. Collection method: clinical testing. Allele origin: germline. Affected: yes.
Comment: In silico analysis supports that this missense variant has a deleterious effect on protein structure/function; Has not been previously published as pathogenic or benign to our knowledge